The following is an entry in ClinVar:

NM_020765.3(UBR4):c.11793C>A (p.Leu3931=)

Gene: UBR4 (ubiquitin protein ligase E3 component n-recognin 4; minus strand). Cytogenetic location: 1p36.13.
Variant type: single nucleotide variant.
Coding change: c.11793C>A on transcript NM_020765.3 (MANE Select); coding-DNA position 11793, C replaced by A.
Protein change: p.Leu3931=; no amino-acid change (leucine 3931 retained).
Molecular consequence: synonymous variant.
Genome position (GRCh38, 1-based): chr1:19,112,532, G>T on the plus strand (C>A on the coding strand, the complement: UBR4 is on the minus strand). VCF-style: chr1-19112532-G-T. GRCh37 (hg19) VCF-style: chr1-19439026-G-T.
Identifiers: ClinVar variation 791780 (VCV000791780.7), dbSNP rs61996286, ClinGen allele CA648907.

ClinVar aggregate classification (germline): Benign. Review status: criteria provided, multiple submitters, no conflicts (2 of 4 stars). 3 submissions from 3 submitters: Benign (2). 1 of the submissions does not count toward it. Last evaluated 2019-12-31.

Conditions:
UBR4-related disorder. Also called: UBR4-related condition.

Allele frequency attached by ClinVar (database versions not stated): gnomAD exomes 0.00466; ExAC 0.00581; 1000 Genomes Project 0.01697; gnomAD 0.01809 and 0.01954; 1000 Genomes Project 30x 0.01983; TOPMed 0.02025; ESP Exome Variant Server 0.02237.
gnomAD v4.1: 5,226 of 1,610,304 alleles (0.32%); highest among the groups gnomAD compares: African/African-American, 6.2%; 179 homozygotes.

Submissions (3):

Labcorp Genetics (formerly Invitae), Labcorp
Classification: Benign. Last evaluated: 2019-12-31. Review status: criteria provided, single submitter. Criteria: Invitae Variant Classification Sherloc (09022015). Collection method: clinical testing. Allele origin: germline.

Breakthrough Genomics
Classification: Benign. Review status: criteria provided, single submitter. Criteria: ACMG Guidelines, 2015. Collection method: not provided. Allele origin: germline. Inheritance: Unknown mechanism. Affected: yes.

PreventionGenetics, part of Exact Sciences
Classification: Benign for UBR4-related condition. Last evaluated: 2019-02-19. Review status: no assertion criteria provided. Collection method: clinical testing. Allele origin: germline. Not counted in ClinVar's aggregate classification.
Comment: This variant is classified as benign based on ACMG/AMP sequence variant interpretation guidelines (Richards et al. 2015 PMID: 25741868, with internal and published modifications).